The following is an entry in ClinVar:

ClinVar aggregate classification (germline): Pathogenic (1 of 4 stars; one submission).

Conditions:
Familial cancer of breast. Also called: hereditary breast carcinoma; BREAST CANCER, FAMILIAL; Hereditary breast cancer. Identifiers: Orphanet 227535, MedGen C0346153, MONDO:0016419, OMIM 114480. Disease mechanism: loss of function.

Submission:

Labcorp Genetics (formerly Invitae), Labcorp
Classification: Pathogenic for Familial cancer of breast. Last evaluated: 2023-10-31. Review status: criteria provided, single submitter. Criteria: Invitae Variant Classification Sherloc (09022015). Collection method: clinical testing. Allele origin: germline.
Comment: This sequence change creates a premature translational stop signal (p.Gly514Glufs*47) in the PALB2 gene. It is expected to result in an absent or disrupted protein product. Loss-of-function variants in PALB2 are known to be pathogenic (PMID: 17200668, 17200671, 17200672, 24136930, 25099575). This variant is not present in population databases (gnomAD no frequency). This variant has not been reported in the literature in individuals affected with PALB2-related conditions. For these reasons, this variant has been classified as Pathogenic.

Literature cited by the submitters: PubMed 17200668; PubMed 17200671; PubMed 17200672; PubMed 24136930; PubMed 25099575.

NM_024675.4(PALB2):c.1541del (p.Gly514fs)

Gene: PALB2 (partner and localizer of BRCA2; minus strand). Cytogenetic location: 16p12.2.
Variant type: Deletion.
Coding change: c.1541del on transcript NM_024675.4 (MANE Select); coding-DNA position 1541, one base deleted (G; older notation c.1541delG).
Protein change: p.Gly514fs; shifts the reading frame from glycine 514.
Molecular consequence: frameshift variant. On other transcripts: intron variant (3).
Genome position (GRCh38, 1-based): chr16:23,635,005, C deleted on the plus strand (G on the coding strand, the reverse complement: PALB2 is on the minus strand); the first of 2 consecutive C bases (chr16:23,635,005-23,635,006); deleting either gives the same sequence. VCF-style (leftmost placement, unchanged base first): chr16-23635004-TC-T. GRCh37 (hg19) VCF-style: chr16-23646325-TC-T.
Other names: c.1481del, p.Gly494fs (NM_001407296.1); c.1541del, p.Gly514fs (NM_001407297.1, NM_001407298.1, NM_001407299.1 and 3 more transcripts); c.656del, p.Gly219fs (NM_001407304.1, NM_001407305.1, NM_001407306.1 and 5 more transcripts); c.49-5730del (NM_001407314.1); c.-104-4536del (NM_001407313.1, NM_001407312.1); short protein forms G219fs, G494fs, G514fs.
Identifiers: ClinVar variation 2771988 (VCV002771988.3), dbSNP rs2506474098, ClinGen allele CA2697555726.